The following is an entry in ClinVar:

ClinVar aggregate classification (germline): Uncertain significance. Review status: criteria provided, multiple submitters, no conflicts (2 of 4 stars). 4 submissions from 4 submitters: Uncertain significance (4). Last evaluated 2026-03-31.

Conditions:
TWNK-related disorder. Also called: TWNK-related condition.
Infantile onset spinocerebellar ataxia (MTDPS7). Also called: Mitochondrial DNA depletion syndrome 7 (hepatocerebral type); OHAHA SYNDROME; SPINOCEREBELLAR ATAXIA, INFANTILE, WITH SENSORY NEUROPATHY; OPHTHALMOPLEGIA, HYPOTONIA, ATAXIA, HYPOACUSIS, AND ATHETOSIS. Identifiers: Orphanet 1186, MedGen C1849096, MONDO:0010060, OMIM 271245.
Perrault syndrome 5 (PRLTS5). Identifiers: Orphanet 2855, MedGen C4015307, MONDO:0014504, OMIM 616138.
Progressive external ophthalmoplegia with mitochondrial DNA deletions, autosomal dominant 3. Also called: PROGRESSIVE EXTERNAL OPHTHALMOPLEGIA, AUTOSOMAL DOMINANT 3. Identifiers: MedGen C1836439, MONDO:0012241, OMIM 609286.

Allele frequency attached by ClinVar (database versions not stated): ExAC 0.00001; gnomAD exomes 0.00002; gnomAD 0.00003 and 0.00004; TOPMed 0.00017.

Submissions (4):

PreventionGenetics, part of Exact Sciences
Classification: Uncertain significance for TWNK-related condition. Last evaluated: 2026-03-31. Review status: criteria provided, single submitter. Criteria: ACMG Guidelines, 2015. Collection method: clinical testing. Allele origin: germline.
Comment: The TWNK c.602C>T variant is predicted to result in the amino acid substitution p.Ala201Val. To our knowledge, this variant has not been reported in the literature. This variant is reported in 0.011% of alleles in individuals of Latino descent in gnomAD. At this time, the clinical significance of this variant is uncertain due to the absence of conclusive functional and genetic evidence.

CeGaT Center for Human Genetics Tuebingen
Classification: Uncertain significance. Last evaluated: 2026-01-01. Review status: criteria provided, single submitter. Criteria: CeGaT Center For Human Genetics Tuebingen Variant Classification Criteria Version 2. Collection method: clinical testing. Allele origin: germline. Affected: yes. Observed: 1 variant allele.
Comment: TWNK: PM2, PP3

Labcorp Genetics (formerly Invitae), Labcorp
Classification: Uncertain significance. Last evaluated: 2025-05-06. Review status: criteria provided, single submitter. Criteria: Invitae Variant Classification Sherloc (09022015). Collection method: clinical testing. Allele origin: germline.
Comment: This sequence change replaces alanine, which is neutral and non-polar, with valine, which is neutral and non-polar, at codon 201 of the TWNK protein (p.Ala201Val). This variant is present in population databases (rs774181599, gnomAD 0.01%). This variant has not been reported in the literature in individuals affected with TWNK-related conditions. ClinVar contains an entry for this variant (Variation ID: 1441023). An algorithm developed to predict the effect of missense changes on protein structure and function outputs the following: PolyPhen-2: "Benign". The valine amino acid residue is found in multiple mammalian species, which suggests that this missense change does not adversely affect protein function. In summary, the available evidence is currently insufficient to determine the role of this variant in disease. Therefore, it has been classified as a Variant of Uncertain Significance.

Fulgent Genetics
Classification: Uncertain significance for Infantile onset spinocerebellar ataxia; Progressive external ophthalmoplegia with mitochondrial DNA deletions, autosomal dominant 3; Perrault syndrome 5. Last evaluated: 2024-01-11. Review status: criteria provided, single submitter. Criteria: ACMG Guidelines, 2015. Collection method: clinical testing. Allele origin: germline.

NM_021830.5(TWNK):c.602C>T (p.Ala201Val)

Gene: TWNK (twinkle mtDNA helicase; plus strand). Cytogenetic location: 10q24.31.
Variant type: single nucleotide variant.
Coding change: c.602C>T on transcript NM_021830.5 (MANE Select); coding-DNA position 602, C replaced by T.
Protein change: p.Ala201Val; replaces alanine 201 with valine.
Molecular consequence: missense variant. On other transcripts: non-coding transcript variant (4), intron variant (3).
Genome position (GRCh38, 1-based): chr10:100,988,812, C>T. VCF-style: chr10-100988812-C-T. GRCh37 (hg19) VCF-style: chr10-102748569-C-T.
Other names: c.602C>T, p.Ala201Val (NM_001163812.2); c.-119-832C>T (NM_001163814.2, NM_001163813.2); c.-57-894C>T (NM_001368275.1); c.602C>T (NM_021830.4); short protein forms A201V.
Identifiers: ClinVar variation 1441023 (VCV001441023.12), dbSNP rs774181599, ClinGen allele CA5653091.
Genomic context (GRCh38, chr10:100,988,812, plus strand): 5'-GCCTTACCAAGGTTACAGATGACACACTCAAGCGTTTCAGTGTGCGATATCTGCGACCTG[C>T]TCGCAGTCTTGTCTTCCCTTGGTTCTCCCCTGGGGGCTCAGGATTACGAGGCCTGAAGCT-3'
Protein context (NP_068602.2, residues 191-211): KRFSVRYLRP[Ala201Val]RSLVFPWFSP